The following is an entry in ClinVar:

NM_017950.4(CCDC40):c.2868G>A (p.Lys956=)

Gene: CCDC40 (coiled-coil domain 40 molecular ruler complex subunit; plus strand). Cytogenetic location: 17q25.3.
Variant type: single nucleotide variant.
Coding change: c.2868G>A on transcript NM_017950.4 (MANE Select); coding-DNA position 2868, G replaced by A.
Protein change: p.Lys956=; no amino-acid change (lysine 956 retained).
Molecular consequence: synonymous variant.
Genome position (GRCh38, 1-based): chr17:80,095,298, G>A. VCF-style: chr17-80095298-G-A. GRCh37 (hg19) VCF-style: chr17-78069097-G-A.
Other names: p.Lys956=.
Identifiers: ClinVar variation 226492 (VCV000226492.27), dbSNP rs1982243, ClinGen allele CA8814535.

ClinVar aggregate classification (germline): Benign/Likely benign. Review status: criteria provided, multiple submitters, no conflicts (2 of 4 stars). 9 submissions from 9 submitters: Benign (8); Likely benign (1). Last evaluated 2026-02-01.

Conditions:
Primary ciliary dyskinesia. Also called: Ciliary dyskinesia. Identifiers: Orphanet 244, MedGen C0008780, MONDO:0016575, HP:0012265.
Primary ciliary dyskinesia 15. Also called: CILIARY DYSKINESIA, PRIMARY, 15, WITH OR WITHOUT SITUS INVERSUS. Identifiers: Orphanet 244, MedGen C3151137, MONDO:0013435, OMIM 613808.

Allele frequency attached by ClinVar (database versions not stated): ESP Exome Variant Server 0.02333; TOPMed 0.02921; gnomAD 0.02985 and 0.03225; gnomAD exomes 0.03006 and 0.03787; ExAC 0.03857; 1000 Genomes Project 30x 0.05200; 1000 Genomes Project 0.05691.
gnomAD v4.1: 49,303 of 1,614,018 alleles (3.1%); highest among the groups gnomAD compares: East Asian, 14%; 1,150 homozygotes.

Submissions (9):

Labcorp Genetics (formerly Invitae), Labcorp
Classification: Benign for Primary ciliary dyskinesia. Last evaluated: 2026-02-01. Review status: criteria provided, single submitter. Criteria: Invitae Variant Classification Sherloc (09022015). Collection method: clinical testing. Allele origin: germline.

Blueprint Genetics
Classification: Likely benign. Last evaluated: 2024-11-27. Review status: criteria provided, single submitter. Criteria: ACMG Guidelines, 2015. Collection method: clinical testing. Allele origin: germline.

Mayo Clinic Laboratories, Mayo Clinic
Classification: Benign. Last evaluated: 2022-04-26. Review status: criteria provided, single submitter. Criteria: ACMG Guidelines, 2015. Collection method: clinical testing. Allele origin: germline. Observed: 7 variant alleles.

GeneDx
Classification: Benign. Last evaluated: 2018-07-09. Review status: criteria provided, single submitter. Criteria: GeneDx Variant Classification Process June 2021. Collection method: clinical testing. Allele origin: germline. Affected: yes.

Illumina Laboratory Services, Illumina
Classification: Benign for Primary ciliary dyskinesia 15. Last evaluated: 2018-01-13. Review status: criteria provided, single submitter. Criteria: ICSL Variant Classification Criteria 13 December 2019. Collection method: clinical testing. Allele origin: germline.
Comment: This variant was observed in the ICSL laboratory as part of a predisposition screen in an ostensibly healthy population. It had not been previously curated by ICSL or reported in the Human Gene Mutation Database (HGMD: prior to June 1st, 2018), and was therefore a candidate for classification through an automated scoring system. Utilizing variant allele frequency, disease prevalence and penetrance estimates, and inheritance mode, an automated score was calculated to assess if this variant is too frequent to cause the disease. Based on the score and internal cut-off values, a variant classified as benign is not then subjected to further curation. The score for this variant resulted in a classification of benign for this disease.

Ambry Genetics
Classification: Benign for Primary ciliary dyskinesia. Last evaluated: 2016-07-12. Review status: criteria provided, single submitter. Criteria: Ambry Variant Classification Scheme 2023. Collection method: clinical testing. Allele origin: germline.

Laboratory for Molecular Medicine, Mass General Brigham Personalized Medicine
Classification: Benign. Last evaluated: 2015-09-02. Review status: criteria provided, single submitter. Criteria: LMM Criteria. Collection method: clinical testing. Allele origin: germline. Observed: 3 variant alleles.
Comment: p.Lys956Lys in exon 18 of CCDC40: This variant is not expected to have clinical significance because it does not alter an amino acid residue and is not located within the splice consensus sequence. It has been identified in 3.7% (4610/11952 4) of all ethnicity chromosomes by the Exome Aggregation Consortium (ExAC; dbSNP rs1982243).

Breakthrough Genomics
Classification: Benign. Review status: criteria provided, single submitter. Criteria: ACMG Guidelines, 2015. Collection method: not provided. Allele origin: germline. Inheritance: Autosomal recessive inheritance. Affected: yes.

PreventionGenetics, part of Exact Sciences
Classification: Benign. Review status: criteria provided, single submitter. Criteria: ACMG Guidelines, 2015. Collection method: clinical testing. Allele origin: germline.